The following is an entry in ClinVar:

NM_198578.4(LRRK2):c.4677A>T (p.Glu1559Asp)

Gene: LRRK2 (leucine rich repeat kinase 2; plus strand). Cytogenetic location: 12q12.
Variant type: single nucleotide variant.
Coding change: c.4677A>T on transcript NM_198578.4 (MANE Select); coding-DNA position 4677, A replaced by T.
Protein change: p.Glu1559Asp; replaces glutamic acid 1559 with aspartic acid.
Molecular consequence: missense variant.
Genome position (GRCh38, 1-based): chr12:40,314,112, A>T. VCF-style: chr12-40314112-A-T. GRCh37 (hg19) VCF-style: chr12-40707914-A-T.
Other names: short protein forms E1559D.
Identifiers: ClinVar variation 3540508 (VCV003540508.1).
Genomic context (GRCh38, chr12:40,314,112, plus strand): 5'-AAATGTGCCAATTGAATTTCCCGTAATTGACCGGAAACGATTATTACAACTAGTGAGAGA[A>T]AATCAGCTGCAGTTAGATGAAAATGAGCTTCCTCACGCAGTTCACTTTCTAAATGAATCA-3'
Protein context (NP_940980.4, residues 1549-1569): DRKRLLQLVR[Glu1559Asp]NQLQLDENEL

ClinVar aggregate classification (germline): Uncertain significance (1 of 4 stars; one submission).

Conditions:
Inborn genetic diseases. Identifiers: MedGen C0950123, MeSH D030342.

gnomAD v4.1: 2 of 1,612,680 alleles (0.00012%); highest among the groups gnomAD compares: Admixed American, 0.0033%; no homozygotes.

Submission:

Ambry Genetics
Classification: Uncertain significance for Inborn genetic diseases. Last evaluated: 2024-07-05. Review status: criteria provided, single submitter. Criteria: Ambry Variant Classification Scheme 2023. Collection method: clinical testing. Allele origin: germline.
Comment: The p.E1559D variant (also known as c.4677A>T), located in coding exon 32 of the LRRK2 gene, results from an A to T substitution at nucleotide position 4677. The glutamic acid at codon 1559 is replaced by aspartic acid, an amino acid with highly similar properties. This amino acid position is conserved. In addition, this alteration is predicted to be tolerated by in silico analysis. Based on the available evidence, the clinical significance of this variant remains unclear.